The following is an entry in ClinVar:

ClinVar aggregate classification (germline): Pathogenic (1 of 4 stars; one submission).

gnomAD v4.1: 2 of 1,613,936 alleles (0.00012%); highest among the groups gnomAD compares: Non-Finnish European, 0.00017%; no homozygotes.

Submission:

Labcorp Genetics (formerly Invitae), Labcorp
Classification: Pathogenic. Last evaluated: 2021-06-23. Review status: criteria provided, single submitter. Criteria: Invitae Variant Classification Sherloc (09022015). Collection method: clinical testing. Allele origin: germline.
Comment: This sequence change creates a premature translational stop signal (p.Tyr519*) in the SLC4A11 gene. It is expected to result in an absent or disrupted protein product. Loss-of-function variants in SLC4A11 are known to be pathogenic (PMID: 17220209, 17679935). This variant is not present in population databases (ExAC no frequency). This variant has not been reported in the literature in individuals with SLC4A11-related conditions. For these reasons, this variant has been classified as Pathogenic.

Literature cited by the submitters: PubMed 17220209; PubMed 17679935.

NM_001174089.2(SLC4A11):c.1509T>A (p.Tyr503Ter)

Gene: SLC4A11 (solute carrier family 4 member 11; minus strand). Cytogenetic location: 20p13.
Variant type: single nucleotide variant.
Coding change: c.1509T>A on transcript NM_001174089.2 (MANE Select); coding-DNA position 1509, T replaced by A.
Protein change: p.Tyr503Ter; replaces tyrosine 503 with a stop codon.
Molecular consequence: nonsense.
Genome position (GRCh38, 1-based): chr20:3,229,757, A>T on the plus strand (T>A on the coding strand, the complement: SLC4A11 is on the minus strand). VCF-style: chr20-3229757-A-T. GRCh37 (hg19) VCF-style: chr20-3210403-A-T.
Other names: c.1638T>A, p.Tyr546Ter (NM_001174090.2); c.1395T>A, p.Tyr465Ter (NM_001363745.2); c.1557T>A, p.Tyr519Ter (NM_032034.4); short protein forms Y465*, Y503*, Y519*, Y546*.
Identifiers: ClinVar variation 1456545 (VCV001456545.6), dbSNP rs2122527578, ClinGen allele CA408088297.